The following is an entry in ClinVar:

NM_006015.6(ARID1A):c.6466A>G (p.Ser2156Gly)

Gene: ARID1A (AT-rich interaction domain 1A; plus strand). Cytogenetic location: 1p36.11.
Variant type: single nucleotide variant.
Coding change: c.6466A>G on transcript NM_006015.6 (MANE Select); coding-DNA position 6466, A replaced by G.
Protein change: p.Ser2156Gly; replaces serine 2156 with glycine.
Molecular consequence: missense variant.
Genome position (GRCh38, 1-based): chr1:26,780,364, A>G. VCF-style: chr1-26780364-A-G. GRCh37 (hg19) VCF-style: chr1-27106855-A-G.
Other names: c.5815A>G, p.Ser1939Gly (NM_139135.4); short protein forms S1939G, S2156G.
Identifiers: ClinVar variation 1699030 (VCV001699030.3), dbSNP rs1191962249, ClinGen allele CA339192497.
Genomic context (GRCh38, chr1:26,780,364, plus strand): 5'-CTGGCCACACCCCCCTTCAGCCGCCTGGAGAAGTTGTATAGCACTATGGTGCGCTTCCTC[A>G]GTGACCGAAAGAACCCGGTGTGCCGGGAGATGGCTGTGGTACTGCTGGCCAACCTGGCTC-3'
Protein context (NP_006006.3, residues 2146-2166): KLYSTMVRFL[Ser2156Gly]DRKNPVCREM

ClinVar aggregate classification (germline): Uncertain significance (1 of 4 stars; one submission).

Conditions:
Intellectual disability, autosomal dominant 14 (CSS2). Also called: COFFIN-SIRIS SYNDROME 2. Identifiers: Orphanet 1465, MedGen C3553247, MONDO:0013819, OMIM 614607.

Allele frequency attached by ClinVar (database versions not stated): TOPMed below 0.00001; gnomAD 0.00001.
gnomAD v4.1: 3 of 1,614,094 alleles (0.00019%); highest among the groups gnomAD compares: Non-Finnish European, 0.00025%; no homozygotes.

Submission:

Victorian Clinical Genetics Services, Murdoch Childrens Research Institute
Classification: Uncertain significance for Intellectual disability, autosomal dominant 14. Last evaluated: 2022-02-02. Review status: criteria provided, single submitter. Criteria: ACMG Guidelines, 2015. Collection method: clinical testing. Allele origin: germline. Inheritance: Autosomal dominant inheritance.
Comment: Based on the classification scheme VCGS_Germline_v1.3.4, this variant is classified as VUS-3B. Following criteria are met: 0102 - Loss of function is a known mechanism of disease in this gene and is associated with Coffin-Siris syndrome 2 (MIM#614607). (I) 0107 - This gene is associated with autosomal dominant disease. (I) 0200 - Variant is predicted to result in a missense amino acid change from serine to glycine. (I) 0251 - This variant is heterozygous. (I) 0302 - Variant is present in gnomAD <0.001 for a dominant condition (v3: 1 heterozygote, 0 homozygotes). (SP) 0503 - Missense variant consistently predicted to be tolerated by multiple in silico tools or not conserved in placental mammals with a minor amino acid change. (SB) 0601 - Variant is located in the well-established functional BAF250_C domain (DECIPHER, NCBI). (SP) 0705 - No comparable missense variants have previous evidence for pathogenicity. (I) 0807 - This variant has no previous evidence of pathogenicity. (I) 0905 - No published segregation evidence has been identified for this variant. (I) 1007 - No published functional evidence has been identified for this variant. (I) 1207 - Parental origin of the variant is unresolved. (I) Legend: (SP) - Supporting pathogenic, (I) - Information, (SB) - Supporting benign